The following is an entry in ClinVar:

ClinVar aggregate classification (germline): Likely pathogenic (1 of 4 stars; one submission).

Allele frequency attached by ClinVar (database versions not stated): gnomAD exomes below 0.00001.

Submission:

Greenwood Genetic Center Diagnostic Laboratories, Greenwood Genetic Center
Classification: Likely pathogenic. Last evaluated: 2020-12-29. Review status: criteria provided, single submitter. Criteria: ACMG Guidelines, 2015. Collection method: clinical testing. Allele origin: germline. Affected: yes.
Comment: PVS1, PM2

NM_015937.6(PIGT):c.245_246del (p.Leu82fs)

Gene: PIGT (phosphatidylinositol glycan anchor biosynthesis class T; plus strand). Cytogenetic location: 20q13.12.
Variant type: Deletion.
Coding change: c.245_246del on transcript NM_015937.6 (MANE Select); coding-DNA positions 245 to 246, 2 bases deleted (TA; older notation c.245_246delTA).
Protein change: p.Leu82fs; shifts the reading frame from leucine 82.
Molecular consequence: frameshift variant. On other transcripts: non-coding transcript variant (3), intron variant (1).
Genome position (GRCh38, 1-based): chr20:45,416,574-45,416,575, TA deleted. VCF-style (leftmost placement, unchanged base first): chr20-45416573-CTA-C. GRCh37 (hg19) VCF-style: chr20-44045213-CTA-C.
Other names: c.245_246del, p.Leu82fs (NM_001184728.3, NM_001184729.3); c.187+231_187+232del (NM_001184730.3); short protein forms L82fs.
Identifiers: ClinVar variation 1331559 (VCV001331559.4), dbSNP rs2145433134, ClinGen allele CA2573054873.